The following is an entry in ClinVar:

ClinVar aggregate classification (germline): Uncertain significance. Review status: criteria provided, multiple submitters, no conflicts (2 of 4 stars). 2 submissions from 2 submitters: Uncertain significance (2). Last evaluated 2025-08-21.

Conditions:
Pancreatic adenocarcinoma. Identifiers: MedGen C0281361, MONDO:0006047, HP:0006725.

Allele frequency attached by ClinVar (database versions not stated): TOPMed below 0.00001; gnomAD 0.00001; gnomAD exomes 0.00001.
gnomAD v4.1: 12 of 1,523,176 alleles (0.00079%); highest among the groups gnomAD compares: South Asian, 0.0024%; no homozygotes.

Submissions (2):

Labcorp Genetics (formerly Invitae), Labcorp
Classification: Uncertain significance for Pancreatic adenocarcinoma. Last evaluated: 2025-08-21. Review status: criteria provided, single submitter. Criteria: Invitae Variant Classification Sherloc (09022015). Collection method: clinical testing. Allele origin: germline.
Comment: This sequence change replaces alanine, which is neutral and non-polar, with aspartic acid, which is acidic and polar, at codon 145 of the PALLD protein (p.Ala145Asp). This variant is not present in population databases (gnomAD no frequency). This variant has not been reported in the literature in individuals affected with PALLD-related conditions. ClinVar contains an entry for this variant (Variation ID: 640053). An algorithm developed to predict the effect of missense changes on protein structure and function (PolyPhen-2) suggests that this variant is likely to be tolerated. In summary, the available evidence is currently insufficient to determine the role of this variant in disease. Therefore, it has been classified as a Variant of Uncertain Significance.

Ambry Genetics
Classification: Uncertain significance. Last evaluated: 2025-05-19. Review status: criteria provided, single submitter. Criteria: Ambry Variant Classification Scheme 2023. Collection method: clinical testing. Allele origin: germline.
Comment: The p.A145D variant (also known as c.434C>A), located in coding exon 1 of the PALLD gene, results from a C to A substitution at nucleotide position 434. The alanine at codon 145 is replaced by aspartic acid, an amino acid with dissimilar properties. This amino acid position is conserved. In addition, this alteration is predicted to be tolerated by in silico analysis. Based on the available evidence, the clinical significance of this variant remains unclear.

NM_001166108.2(PALLD):c.1965-12597C>A

Gene: PALLD (palladin, cytoskeletal associated protein; plus strand). Cytogenetic location: 4q32.3.
Variant type: single nucleotide variant.
Coding change: c.1965-12597C>A on transcript NM_001166108.2 (MANE Select); 12597 bases into the intron before coding-DNA position 1965, C replaced by A.
Molecular consequence: intron variant. On other transcripts: missense variant (1).
Genome position (GRCh38, 1-based): chr4:168,878,325, C>A. VCF-style: chr4-168878325-C-A. GRCh37 (hg19) VCF-style: chr4-169799476-C-A.
Other names: c.434C>A, p.Ala145Asp (NM_001166110.2); c.1965-12597C>A (NM_016081.4); c.819-12597C>A (NM_001166109.2); c.-157-12597C>A (NM_001367570.1, NM_001367568.1, NM_001367567.1 and 1 more transcripts); short protein forms A145D.
Identifiers: ClinVar variation 640053 (VCV000640053.9), dbSNP rs1221751077, ClinGen allele CA358796675.
Genomic context (GRCh38, chr4:168,878,325, plus strand): 5'-ACTGCTCGTCGCCTGCCACCCGCTTCGGCCACAGCCAGACGCCCGCGGCCTTCCTCAGCG[C>A]TCTGCTGCCCTCGCAGCCGCCGCCGGCGGCCGTCAACGCCCTGGGGCTGCCCAAGGGTGT-3'